The following is an entry in ClinVar:

ClinVar aggregate classification (germline): Uncertain significance (1 of 4 stars; one submission).

Allele frequency attached by ClinVar (database versions not stated): ExAC 0.00001.

Submission:

Labcorp Genetics (formerly Invitae), Labcorp
Classification: Uncertain significance. Last evaluated: 2024-10-03. Review status: criteria provided, single submitter. Criteria: Invitae Variant Classification Sherloc (09022015). Collection method: clinical testing. Allele origin: germline.
Comment: This sequence change replaces aspartic acid, which is acidic and polar, with tyrosine, which is neutral and polar, at codon 149 of the RNF113A protein (p.Asp149Tyr). This variant is present in population databases (rs370170271, gnomAD 0.004%). This variant has not been reported in the literature in individuals affected with RNF113A-related conditions. Invitae Evidence Modeling of protein sequence and biophysical properties (such as structural, functional, and spatial information, amino acid conservation, physicochemical variation, residue mobility, and thermodynamic stability) indicates that this missense variant is expected to disrupt RNF113A protein function with a positive predictive value of 80%. In summary, the available evidence is currently insufficient to determine the role of this variant in disease. Therefore, it has been classified as a Variant of Uncertain Significance.

NM_006978.3(RNF113A):c.445G>T (p.Asp149Tyr)

Gene: RNF113A (ring finger protein 113A; minus strand). Cytogenetic location: Xq24.
Variant type: single nucleotide variant.
Coding change: c.445G>T on transcript NM_006978.3 (MANE Select); coding-DNA position 445, G replaced by T.
Protein change: p.Asp149Tyr; replaces aspartic acid 149 with tyrosine.
Molecular consequence: missense variant.
Genome position (GRCh38, 1-based): chrX:119,871,169, C>A on the plus strand (G>T on the coding strand, the complement: RNF113A is on the minus strand). VCF-style: chrX-119871169-C-A. GRCh37 (hg19) VCF-style: chrX-119005132-C-A.
Other names: short protein forms D149Y.
Identifiers: ClinVar variation 3023888 (VCV003023888.3), dbSNP rs370170271, ClinGen allele CA10503463.